The following is an entry in ClinVar:

ClinVar aggregate classification (germline): Conflicting classifications of pathogenicity. Review status: criteria provided, conflicting classifications (1 of 4 stars). 2 submissions from 2 submitters: Uncertain significance (1); Likely benign (1). Last evaluated 2025-07-01.

Conditions:
Hypertrophic cardiomyopathy. Also called: HYPERTROPHIC MYOCARDIOPATHY. Identifiers: Orphanet 217569, MedGen C0007194, MeSH D002312, MONDO:0005045, HP:0001639.
Cardiomyopathy (CMYO). Also called: Cardiomyopathies. Identifiers: Orphanet 167848, MedGen C0878544, MONDO:0004994, HP:0001638. Inheritance: Various modes of inheritance.

Allele frequency attached by ClinVar (database versions not stated): gnomAD exomes below 0.00001.
gnomAD v4.1: 1 of 1,606,744 alleles (0.000062%); highest among the groups gnomAD compares: East Asian, 0.0022%; no homozygotes.

Submissions (2):

Color Diagnostics, LLC DBA Color Health
Classification: Likely benign for Cardiomyopathy. Last evaluated: 2025-07-01. Review status: criteria provided, single submitter. Criteria: ACMG Guidelines, 2015. Collection method: clinical testing. Allele origin: germline.

All of Us Research Program, National Institutes of Health
Classification: Uncertain significance for Hypertrophic cardiomyopathy. Last evaluated: 2023-04-10. Review status: criteria provided, single submitter. Criteria: ACMG Guidelines, 2015. Collection method: clinical testing. Allele origin: germline. Inheritance: Autosomal dominant inheritance. Observed: 1 variant allele, 1 heterozygote.
Comment: This variant causes a C to G nucleotide substitution at the -6 position of intron 22 of the MYBPC3 gene. To our knowledge, functional studies have not been reported for this variant. This variant has not been reported in individuals affected with MYBPC3-related disorders in the literature. This variant has been identified in 1/237928 chromosomes in the general population by the Genome Aggregation Database (gnomAD). The available evidence is insufficient to determine the role of this variant in disease conclusively. Therefore, this variant is classified as a Variant of Uncertain Significance.

This study involves interpretation of variants in research participants for the purpose of population health screening. Participant phenotype was not available at the time of variant classification. Additional details can be found in publication PMID: 35346344, PMCID: PMC8962531

NM_000256.3(MYBPC3):c.2149-6C>G

Gene: MYBPC3 (myosin binding protein C3; minus strand). Cytogenetic location: 11p11.2.
Variant type: single nucleotide variant.
Coding change: c.2149-6C>G on transcript NM_000256.3 (MANE Select); 6 bases into the intron before coding-DNA position 2149, C replaced by G.
Molecular consequence: intron variant.
Genome position (GRCh38, 1-based): chr11:47,338,685, G>C on the plus strand (C>G on the coding strand, the complement: MYBPC3 is on the minus strand). VCF-style: chr11-47338685-G-C. GRCh37 (hg19) VCF-style: chr11-47360236-G-C.
Identifiers: ClinVar variation 3070370 (VCV003070370.2), dbSNP rs1265160496, ClinGen allele CA599374351.